The following is an entry in ClinVar:

ClinVar aggregate classification (germline): Pathogenic (1 of 4 stars; one submission).

Conditions:
Dilated cardiomyopathy 1DD (CMD1DD). Identifiers: Orphanet 154, MedGen C2750995, MONDO:0013168, OMIM 613172.

Submission:

Labcorp Genetics (formerly Invitae), Labcorp
Classification: Pathogenic for Dilated cardiomyopathy 1DD. Last evaluated: 2025-11-21. Review status: criteria provided, single submitter. Criteria: Invitae Variant Classification Sherloc (09022015). Collection method: clinical testing. Allele origin: germline.
Comment: This sequence change creates a premature translational stop signal (p.Lys712*) in the RBM20 gene. It is expected to result in an absent or disrupted protein product. Loss-of-function variants in RBM20 are known to be pathogenic (PMID: 20590677, 22004663, 38288598, 38510713, 40339755). This variant is not present in population databases (gnomAD no frequency). This variant has not been reported in the literature in individuals affected with RBM20-related conditions. For these reasons, this variant has been classified as Pathogenic.

Literature cited by the submitters: PubMed 20590677; PubMed 22004663; PubMed 38288598; PubMed 38510713; PubMed 40339755.

NM_001134363.3(RBM20):c.2134A>T (p.Lys712Ter)

Gene: RBM20 (RNA binding motif protein 20; plus strand). Cytogenetic location: 10q25.2.
Variant type: single nucleotide variant.
Coding change: c.2134A>T on transcript NM_001134363.3 (MANE Select); coding-DNA position 2134, A replaced by T.
Protein change: p.Lys712Ter; replaces lysine 712 with a stop codon.
Molecular consequence: nonsense.
Genome position (GRCh38, 1-based): chr10:110,812,531, A>T. VCF-style: chr10-110812531-A-T. GRCh37 (hg19) VCF-style: chr10-112572289-A-T.
Other names: short protein forms K712*.
Identifiers: ClinVar variation 4811058 (VCV004811058.1).